The following is an entry in ClinVar:

ClinVar aggregate classification (germline): Uncertain significance (1 of 4 stars; one submission).

Conditions:
Chromosome 2q32-q33 deletion syndrome (GLASS). Also called: Glass syndrome; 2q33.1 deletion syndrome. Identifiers: Orphanet 251019, MedGen C2676739, MONDO:0012864, OMIM 612313.

Submission:

Labcorp Genetics (formerly Invitae), Labcorp
Classification: Uncertain significance for Chromosome 2q32-q33 deletion syndrome. Last evaluated: 2022-12-15. Review status: criteria provided, single submitter. Criteria: Invitae Variant Classification Sherloc (09022015). Collection method: clinical testing. Allele origin: germline.
Comment: This sequence change falls in intron 7 of the SATB2 gene. It does not directly change the encoded amino acid sequence of the SATB2 protein. It affects a nucleotide within the consensus splice site. This variant is not present in population databases (gnomAD no frequency). This variant has not been reported in the literature in individuals affected with SATB2-related conditions. ClinVar contains an entry for this variant (Variation ID: 1392166). Variants that disrupt the consensus splice site are a relatively common cause of aberrant splicing (PMID: 17576681, 9536098). Algorithms developed to predict the effect of sequence changes on RNA splicing suggest that this variant is not likely to affect RNA splicing. In summary, the available evidence is currently insufficient to determine the role of this variant in disease. Therefore, it has been classified as a Variant of Uncertain Significance.

Literature cited by the submitters: PubMed 17576681; PubMed 9536098.

NM_001172509.2(SATB2):c.700+6del

Gene: SATB2 (SATB homeobox 2; minus strand). Cytogenetic location: 2q33.1.
Variant type: Deletion.
Coding change: c.700+6del on transcript NM_001172509.2 (MANE Select); 6 bases into the intron after coding-DNA position 700, one base deleted (C; older notation c.700+6delC).
Molecular consequence: intron variant.
Genome position (GRCh38, 1-based): chr2:199,368,599, G deleted on the plus strand (C on the coding strand, the reverse complement: SATB2 is on the minus strand). VCF-style (leftmost placement, unchanged base first): chr2-199368598-AG-A. GRCh37 (hg19) VCF-style: chr2-200233321-AG-A.
Other names: c.700+6del (NM_001172517.1, NM_015265.4).
Identifiers: ClinVar variation 1392166 (VCV001392166.6), dbSNP rs1574554422, ClinGen allele CA916749923.